The following is an entry in ClinVar:

ClinVar aggregate classification (germline): Uncertain significance (1 of 4 stars; one submission).

gnomAD v4.1: 31 of 1,186,409 alleles (0.0026%); highest among the groups gnomAD compares: Non-Finnish European, 0.0032%; no homozygotes.

Submission:

Women's Health and Genetics/Laboratory Corporation of America, LabCorp
Classification: Uncertain significance. Last evaluated: 2024-09-11. Review status: criteria provided, single submitter. Criteria: LabCorp Variant Classification Summary - May 2015. Collection method: clinical testing. Allele origin: germline.
Comment: Variant summary: FMR1 c.511T>G (p.Leu171Val) results in a conservative amino acid change located in the Synaptic functional regulator FMRP, KH0 domain (IPR040472) of the encoded protein sequence. Three of five in-silico tools predict a benign effect of the variant on protein function. Consensus agreement among computation tools predict no significant impact on normal splicing. However, these predictions have yet to be confirmed by functional studies. The variant allele was found at a frequency of 1.1e-05 in 182891 control chromosomes. The available data on variant occurrences in the general population are insufficient to allow any conclusion about variant significance. To our knowledge, no occurrence of c.511T>G in individuals affected with Fragile X Syndrome and no experimental evidence demonstrating its impact on protein function have been reported. No submitters have cited clinical-significance assessments for this variant to ClinVar. Based on the evidence outlined above, the variant was classified as uncertain significance.

NM_002024.6(FMR1):c.511T>G (p.Leu171Val)

Gene: FMR1 (fragile X messenger ribonucleoprotein 1; plus strand). Cytogenetic location: Xq27.3.
Variant type: single nucleotide variant.
Coding change: c.511T>G on transcript NM_002024.6 (MANE Select); coding-DNA position 511, T replaced by G.
Protein change: p.Leu171Val; replaces leucine 171 with valine.
Molecular consequence: missense variant. On other transcripts: non-coding transcript variant (2).
Genome position (GRCh38, 1-based): chrX:147,930,039, T>G. VCF-style: chrX-147930039-T-G. GRCh37 (hg19) VCF-style: chrX-147011558-T-G.
Other names: c.511T>G, p.Leu171Val (NM_001185075.2, NM_001185076.2, NM_001185081.2 and 1 more transcripts); short protein forms L171V.
Identifiers: ClinVar variation 3374885 (VCV003374885.1).
Genomic context (GRCh38, chrX:147,930,039, plus strand): 5'-AAAAAGGCAGTTGGTGCCTTTTCTGTAACTTATGATCCAGAAAATTATCAGCTTGTCATT[T>G]TGGTGAGCATTTTTGAGTTGTTTATTTTTAGTTTAATTCATCTGGGGCAATTGCCTTGAT-3'
Protein context (NP_002015.1, residues 161-181): YDPENYQLVI[Leu171Val]SINEVTSKRA